The following is an entry in ClinVar:

ClinVar aggregate classification (germline): Uncertain significance. Review status: criteria provided, multiple submitters, no conflicts (2 of 4 stars). 2 submissions from 2 submitters: Uncertain significance (2). Last evaluated 2026-03-28.

Conditions:
Aortic aneurysm, familial thoracic 8 (AAT8). Identifiers: MedGen C3809513, MONDO:0014187, OMIM 615436.
Familial thoracic aortic aneurysm and aortic dissection (TAAD). Also called: Thoracic aortic aneurysms and dissections. Identifiers: Orphanet 91387, MedGen C4707243, MONDO:0019625.

Allele frequency attached by ClinVar (database versions not stated): ExAC 0.00001.

Submissions (2):

Ambry Genetics
Classification: Uncertain significance for Familial thoracic aortic aneurysm and aortic dissection. Last evaluated: 2026-03-28. Review status: criteria provided, single submitter. Criteria: Ambry Variant Classification Scheme 2023. Collection method: clinical testing. Allele origin: germline.
Comment: The p.E363D variant (also known as c.1089A>C), located in coding exon 10 of the PRKG1 gene, results from an A to C substitution at nucleotide position 1089. The glutamic acid at codon 363 is replaced by aspartic acid, an amino acid with highly similar properties. This amino acid position is conserved. In addition, this alteration is predicted to be tolerated by in silico analysis. Based on the available evidence, the clinical significance of this variant remains unclear.

Labcorp Genetics (formerly Invitae), Labcorp
Classification: Uncertain significance for Aortic aneurysm, familial thoracic 8. Last evaluated: 2023-07-17. Review status: criteria provided, single submitter. Criteria: Invitae Variant Classification Sherloc (09022015). Collection method: clinical testing. Allele origin: germline.
Comment: In summary, the available evidence is currently insufficient to determine the role of this variant in disease. Therefore, it has been classified as a Variant of Uncertain Significance. An algorithm developed to predict the effect of missense changes on protein structure and function (PolyPhen-2) suggests that this variant is likely to be tolerated. This variant has not been reported in the literature in individuals affected with PRKG1-related conditions. This variant is present in population databases (rs762661667, gnomAD 0.007%). This sequence change replaces glutamic acid, which is acidic and polar, with aspartic acid, which is acidic and polar, at codon 363 of the PRKG1 protein (p.Glu363Asp).

NM_006258.4(PRKG1):c.1089A>C (p.Glu363Asp)

Gene: PRKG1 (protein kinase cGMP-dependent 1; plus strand). Cytogenetic location: 10q21.1.
Variant type: single nucleotide variant.
Coding change: c.1089A>C on transcript NM_006258.4 (MANE Select); coding-DNA position 1089, A replaced by C.
Protein change: p.Glu363Asp; replaces glutamic acid 363 with aspartic acid.
Molecular consequence: missense variant. On other transcripts: 5 prime UTR variant (1).
Genome position (GRCh38, 1-based): chr10:52,251,582, A>C. VCF-style: chr10-52251582-A-C. GRCh37 (hg19) VCF-style: chr10-54011342-A-C.
Other names: c.1044A>C, p.Glu348Asp (NM_001098512.3); c.-121A>C (NM_001374781.1); c.1089A>C (NM_006258.3); short protein forms E348D, E363D.
Identifiers: ClinVar variation 3001576 (VCV003001576.4), dbSNP rs762661667, ClinGen allele CA5503757.
Genomic context (GRCh38, chr10:52,251,582, plus strand): 5'-TGTTTGCACCTCTAAGAAATTTCCATTTTTTCACATCAAAAAATCCAGATATGAAGCTGA[A>C]GCGGCTTTCTTCGCCAACCTGAAGCTGTCTGATTTCAACATCATTGATACCCTTGGAGTT-3'
Protein context (NP_006249.1, residues 353-373): DAEAKAKYEA[Glu363Asp]AAFFANLKLS